The following is an entry in ClinVar:

ClinVar aggregate classification (germline): Uncertain significance (1 of 4 stars; one submission).

Conditions:
Cardiomyopathy (CMYO). Also called: Cardiomyopathies. Identifiers: Orphanet 167848, MedGen C0878544, MONDO:0004994, HP:0001638. Inheritance: Various modes of inheritance.

Submission:

Color Diagnostics, LLC DBA Color Health
Classification: Uncertain significance for Cardiomyopathy. Last evaluated: 2024-03-06. Review status: criteria provided, single submitter. Criteria: ACMG Guidelines, 2015. Collection method: clinical testing. Allele origin: germline.
Comment: This missense variant replaces valine with isoleucine at codon 655 of the PKP2 protein. Computational prediction suggests that this variant may not impact protein structure and function (internally defined REVEL score threshold <= 0.5, PMID: 27666373). To our knowledge, functional studies have not been reported for this variant. This variant has not been reported in individuals affected with cardiovascular disorders in the literature. This variant has not been identified in the general population by the Genome Aggregation Database (gnomAD). The available evidence is insufficient to determine the role of this variant in disease conclusively. Therefore, this variant is classified as a Variant of Uncertain Significance.

NM_001005242.3(PKP2):c.1831G>A (p.Val611Ile)

Gene: PKP2 (plakophilin 2; minus strand). Cytogenetic location: 12p11.21.
Variant type: single nucleotide variant.
Coding change: c.1831G>A on transcript NM_001005242.3 (MANE Select); coding-DNA position 1831, G replaced by A.
Protein change: p.Val611Ile; replaces valine 611 with isoleucine.
Molecular consequence: missense variant. On other transcripts: intron variant (1).
Genome position (GRCh38, 1-based): chr12:32,822,475, C>T on the plus strand (G>A on the coding strand, the complement: PKP2 is on the minus strand). VCF-style: chr12-32822475-C-T. GRCh37 (hg19) VCF-style: chr12-32975409-C-T.
Other names: c.1831G>A, p.Val611Ile (NM_001407155.1, NM_001407161.1); c.1963G>A, p.Val655Ile (NM_001407157.1, NM_004572.4); c.1504G>A, p.Val502Ile (NM_001407158.1, NM_001407159.1, NM_001407160.1 and 1 more transcripts); c.1675-946G>A (NM_001407156.1); short protein forms V502I, V611I, V655I.
Identifiers: ClinVar variation 2774085 (VCV002774085.2), dbSNP rs1003410304, ClinGen allele CA384362595.
Genomic context (GRCh38, chr12:32,822,475, plus strand): 5'-ACTCTCTCTCATTCTCTCCCTTTCTCATTCTTTCAAAAACTTCCCAATATACCTCTTTTA[C>T]TTTCCTGCTTCGACTGCCAAAACATCCAATACTTTTGTTGTTGTCAGTCTGGATATTCCG-3'
Protein context (NP_001005242.2, residues 601-621): IGCFGSRSRK[Val611Ile]KEQYQDVPMP